The following is an entry in ClinVar:

NM_001042545.2(LTBP4):c.2861G>A (p.Arg954His)

Gene: LTBP4 (latent transforming growth factor beta binding protein 4; plus strand). Cytogenetic location: 19q13.2.
Variant type: single nucleotide variant.
Coding change: c.2861G>A on transcript NM_001042545.2 (MANE Select); coding-DNA position 2861, G replaced by A.
Protein change: p.Arg954His; replaces arginine 954 with histidine.
Molecular consequence: missense variant.
Genome position (GRCh38, 1-based): chr19:40,616,937, G>A. VCF-style: chr19-40616937-G-A. GRCh37 (hg19) VCF-style: chr19-41122843-G-A.
Other names: c.3062G>A, p.Arg1021His (NM_001042544.1); c.2951G>A, p.Arg984His (NM_003573.2); short protein forms R954H, R984H, R1021H.
Identifiers: ClinVar variation 2381314 (VCV002381314.3), dbSNP rs752017387, ClinGen allele CA9448816.

ClinVar aggregate classification (germline): Uncertain significance. Review status: criteria provided, multiple submitters, no conflicts (2 of 4 stars). 2 submissions from 2 submitters: Uncertain significance (2). Last evaluated 2024-11-05.

Conditions:
Inborn genetic diseases. Identifiers: MedGen C0950123, MeSH D030342.

Allele frequency attached by ClinVar (database versions not stated): gnomAD exomes 0.00002; gnomAD 0.00003; ExAC 0.00006; TOPMed 0.00006.
gnomAD v4.1: 34 of 1,613,920 alleles (0.0021%); highest among the groups gnomAD compares: Middle Eastern, 0.016%; no homozygotes.

Submissions (2):

Labcorp Genetics (formerly Invitae), Labcorp
Classification: Uncertain significance. Last evaluated: 2024-11-05. Review status: criteria provided, single submitter. Criteria: Invitae Variant Classification Sherloc (09022015). Collection method: clinical testing. Allele origin: germline.
Comment: This sequence change replaces arginine, which is basic and polar, with histidine, which is basic and polar, at codon 984 of the LTBP4 protein (p.Arg984His). This variant is present in population databases (rs752017387, gnomAD 0.02%). This variant has not been reported in the literature in individuals affected with LTBP4-related conditions. ClinVar contains an entry for this variant (Variation ID: 2381314). Experimental studies and prediction algorithms are not available or were not evaluated, and the functional significance of this variant is currently unknown. In summary, the available evidence is currently insufficient to determine the role of this variant in disease. Therefore, it has been classified as a Variant of Uncertain Significance.

Ambry Genetics
Classification: Uncertain significance for Inborn genetic diseases. Last evaluated: 2021-08-10. Review status: criteria provided, single submitter. Criteria: Ambry Variant Classification Scheme 2023. Collection method: clinical testing. Allele origin: germline.